The following is an entry in ClinVar:

NM_001433705.1(NLRP5):c.3146+19T>C

Gene: NLRP5 (NLR family pyrin domain containing 5; plus strand). Cytogenetic location: 19q13.43.
Variant type: single nucleotide variant.
Coding change: c.3146+19T>C on transcript NM_001433705.1 (MANE Select); 19 bases into the intron after coding-DNA position 3146, T replaced by C.
Molecular consequence: intron variant.
Genome position (GRCh38, 1-based): chr19:56,053,827, T>C. VCF-style: chr19-56053827-T-C. GRCh37 (hg19) VCF-style: chr19-56565193-T-C.
Other names: NM_153447.4:c.3299+19T>C.
Identifiers: ClinVar variation 103291 (VCV000103291.2), dbSNP rs199475786, ClinGen allele CA230376.

ClinVar aggregate classification (germline): not provided (0 of 4 stars; one submission).

Allele frequency attached by ClinVar (database versions not stated): gnomAD exomes below 0.00001; ExAC 0.00001; TOPMed 0.00003; ESP Exome Variant Server 0.00008; gnomAD 0.00005 and 0.00004.
gnomAD v4.1: 8 of 1,609,228 alleles (0.0005%); highest among the groups gnomAD compares: African/African-American, 0.011%; no homozygotes.

Submission:

Human Evolutionary Genetics, Institut Pasteur
No classification provided. Review status: no classification provided. Collection method: not provided. Allele origin: germline.
ClinVar note: Converted during submission from untested to not provided.